The following is an entry in ClinVar:

NM_001367479.1(DNAH14):c.4636C>T (p.Arg1546Ter)

Gene: DNAH14 (dynein axonemal heavy chain 14; plus strand). Cytogenetic location: 1q42.12.
Variant type: single nucleotide variant.
Coding change: c.4636C>T on transcript NM_001367479.1 (MANE Select); coding-DNA position 4636, C replaced by T.
Protein change: p.Arg1546Ter; replaces arginine 1546 with a stop codon.
Molecular consequence: nonsense.
Genome position (GRCh38, 1-based): chr1:225,144,524, C>T. VCF-style: chr1-225144524-C-T. GRCh37 (hg19) VCF-style: chr1-225332226-C-T.
Other names: NM_001373.1:c.4585C>T; short protein forms R1546*.
Identifiers: ClinVar variation 4891361 (VCV004891361.2).

ClinVar aggregate classification (germline): Uncertain significance (1 of 4 stars; one submission).

Submission:

GeneDx
Classification: Uncertain significance. Last evaluated: 2026-10-19. Review status: criteria provided, single submitter. Criteria: GeneDx Variant Classification Process June 2021. Collection method: clinical testing. Allele origin: germline.
Comment: Nonsense variant predicted to result in protein truncation or nonsense mediated decay in a gene or region of a gene for which loss of function is not a well-established mechanism of disease; Has not been previously published as pathogenic or benign to our knowledge